The following is an entry in ClinVar:

ClinVar aggregate classification (germline): Uncertain significance (1 of 4 stars; one submission).

Conditions:
Neurofibromatosis, type 2 (SWNV). Also called: BILATERAL ACOUSTIC NEUROFIBROMATOSIS; SCHWANNOMATOSIS, VESTIBULAR; NF2-Related Schwannomatosis. Identifiers: Orphanet 637, MedGen C0027832, MONDO:0007039, OMIM 101000. Disease mechanism: loss of function.

gnomAD v4.1: 8 of 1,310,296 alleles (0.00061%); highest among the groups gnomAD compares: Non-Finnish European, 0.00085%; no homozygotes.

Submission:

Labcorp Genetics (formerly Invitae), Labcorp
Classification: Uncertain significance for Neurofibromatosis, type 2. Last evaluated: 2026-01-02. Review status: criteria provided, single submitter. Criteria: Invitae Variant Classification Sherloc (09022015). Collection method: clinical testing. Allele origin: germline.
Comment: This variant occurs in a non-coding region of the NF2 gene. It does not change the encoded amino acid sequence of the NF2 protein. This variant is not present in population databases (gnomAD no frequency). This variant has not been reported in the literature in individuals affected with NF2-related conditions. ClinVar contains an entry for this variant (Variation ID: 3711975). In summary, the available evidence is currently insufficient to determine the role of this variant in disease. Therefore, it has been classified as a Variant of Uncertain Significance.

NM_000268.4(NF2):c.-65G>A

Genes: NF2 (NF2, moesin-ezrin-radixin like (MERLIN) tumor suppressor; plus strand), LOC130067184 (ATAC-STARR-seq lymphoblastoid silent region 13595; plus strand). Cytogenetic location: 22q12.2.
Variant type: single nucleotide variant.
Coding change: c.-65G>A on transcript NM_000268.4 (MANE Select); 65 bases upstream of the start codon, G replaced by A.
Molecular consequence: 5 prime UTR variant. On other transcripts: non-coding transcript variant (1).
Genome position (GRCh38, 1-based): chr22:29,603,934, G>A. VCF-style: chr22-29603934-G-A. GRCh37 (hg19) VCF-style: chr22-29999923-G-A.
Other names: c.-295G>A (NM_001407053.1, NM_001407056.1); c.-65G>A (NM_001407054.1, NM_001407055.1, NM_001407057.1 and 15 more transcripts); c.-705G>A (NM_001407065.1); c.-321G>A (NM_001407067.1).
Identifiers: ClinVar variation 3711975 (VCV003711975.2).